The following is an entry in ClinVar:

NM_001374736.1(DST):c.4496T>G (p.Ile1499Ser)

Gene: DST (dystonin; minus strand). Cytogenetic location: 6p12.1.
Variant type: single nucleotide variant.
Coding change: c.4496T>G on transcript NM_001374736.1 (MANE Select); coding-DNA position 4496, T replaced by G.
Protein change: p.Ile1499Ser; replaces isoleucine 1499 with serine.
Molecular consequence: missense variant.
Genome position (GRCh38, 1-based): chr6:56,628,141, A>C on the plus strand (T>G on the coding strand, the complement: DST is on the minus strand). VCF-style: chr6-56628141-A-C. GRCh37 (hg19) VCF-style: chr6-56492939-A-C.
Other names: c.4397T>G, p.Ile1466Ser (NM_001144769.5); c.3983T>G, p.Ile1328Ser (NM_001144770.2); c.4496T>G, p.Ile1499Ser (NM_001374722.1); c.3863T>G, p.Ile1288Ser (NM_001374729.1, NM_001374730.1, NM_001386100.1 and 1 more transcripts); c.4523T>G, p.Ile1508Ser (NM_001374734.1); c.2885T>G, p.Ile962Ser (NM_001723.7, NM_015548.5); short protein forms I1288S, I1328S, I1466S, I1499S, I1508S, I962S.
Identifiers: ClinVar variation 1007319 (VCV001007319.8), dbSNP rs748509939, ClinGen allele CA3870878.
Genomic context (GRCh38, chr6:56,628,141, plus strand): 5'-TGCTGGATCCAATCATCTAAAGGATGGTAAGTGTCTCTGTAGTACTTCAGTGATTTGCCA[A>C]TGCCCTCTAAGTCCCGTAACCTAAGAGAATAGTAACCGAATAGTCACGGTGTCCAGCGAT-3'
Protein context (NP_001361665.1, residues 1489-1509): IDNRLRDLEG[Ile1499Ser]GKSLKYYRDT

ClinVar aggregate classification (germline): Uncertain significance (1 of 4 stars; one submission).

Conditions:
Epidermolysis bullosa simplex 3, localized or generalized intermediate, with BP230 deficiency (EBS3). Also called: Epidermolysis bullosa simplex due to BP230 deficiency; Epidermolysis bullosa simplex, autosomal recessive 2. Identifiers: Orphanet 412181, MedGen C3809470, MONDO:0014180, OMIM 615425.
Hereditary sensory and autonomic neuropathy type 6. Also called: HSAN VI; Neuropathy, hereditary sensory and autonomic, type VI. Identifiers: Orphanet 314381, MedGen C3539003, MONDO:0013839, OMIM 614653.

Allele frequency attached by ClinVar (database versions not stated): gnomAD exomes 0.00001 and 0.00002; ExAC 0.00002.
gnomAD v4.1: 9 of 1,613,804 alleles (0.00056%); highest among the groups gnomAD compares: Non-Finnish European, 0.00076%; no homozygotes.

Submission:

Labcorp Genetics (formerly Invitae), Labcorp
Classification: Uncertain significance for Epidermolysis bullosa simplex 3, localized or generalized intermediate, with BP230 deficiency; Hereditary sensory and autonomic neuropathy type 6. Last evaluated: 2020-08-22. Review status: criteria provided, single submitter. Criteria: Invitae Variant Classification Sherloc (09022015). Collection method: clinical testing. Allele origin: germline.
Comment: In summary, the available evidence is currently insufficient to determine the role of this variant in disease. Therefore, it has been classified as a Variant of Uncertain Significance. Algorithms developed to predict the effect of missense changes on protein structure and function (SIFT, PolyPhen-2, Align-GVGD) all suggest that this variant is likely to be disruptive, but these predictions have not been confirmed by published functional studies and their clinical significance is uncertain. This variant has not been reported in the literature in individuals with DST-related conditions. This variant is present in population databases (rs748509939, ExAC 0.004%). This sequence change replaces isoleucine with serine at codon 962 of the DST protein (p.Ile962Ser). The isoleucine residue is highly conserved and there is a large physicochemical difference between isoleucine and serine.